The following is an entry in ClinVar:

NM_000277.3(PAH):c.632dup (p.Leu212fs)

Gene: PAH (phenylalanine hydroxylase; minus strand). Cytogenetic location: 12q23.2.
Variant type: Duplication.
Coding change: c.632dup on transcript NM_000277.3 (MANE Select); coding-DNA position 632, one base duplicated (C; older notation c.632dupC).
Protein change: p.Leu212fs; shifts the reading frame from leucine 212.
Molecular consequence: frameshift variant.
Genome position (GRCh38, 1-based): chr12:102,855,210, G duplicated on the plus strand (C on the coding strand, the reverse complement: PAH is on the minus strand); the first of 2 consecutive G bases (chr12:102,855,210-102,855,211); duplicating either gives the same sequence. VCF-style (leftmost placement, unchanged base first): chr12-102855209-T-TG. GRCh37 (hg19) VCF-style: chr12-103248987-T-TG.
Other names: c.632dup, p.Leu212fs (NM_001354304.2); short protein forms L212fs.
Identifiers: ClinVar variation 1920359 (VCV001920359.5), dbSNP rs62514929, ClinGen allele CA2580085713.

ClinVar aggregate classification (germline): Pathogenic (1 of 4 stars; one submission).

Conditions:
Phenylketonuria (PKU). Also called: Phenylketonurias; OLIGOPHRENIA PHENYLPYRUVICA; FOLLING DISEASE; Phenylketonuria (PKU). Identifiers: Orphanet 716, MedGen C0031485, MONDO:0009861, OMIM 261600. Disease mechanism: loss of function.

Submission:

Labcorp Genetics (formerly Invitae), Labcorp
Classification: Pathogenic for Phenylketonuria. Last evaluated: 2022-08-06. Review status: criteria provided, single submitter. Criteria: Invitae Variant Classification Sherloc (09022015). Collection method: clinical testing. Allele origin: germline.
Comment: For these reasons, this variant has been classified as Pathogenic. Algorithms developed to predict the effect of sequence changes on RNA splicing suggest that this variant may disrupt the consensus splice site. This variant has not been reported in the literature in individuals affected with PAH-related conditions. This variant is not present in population databases (gnomAD no frequency). This sequence change creates a premature translational stop signal (p.Leu212Thrfs*3) in the PAH gene. It is expected to result in an absent or disrupted protein product. Loss-of-function variants in PAH are known to be pathogenic (PMID: 1301187, 9634518).

Literature cited by the submitters: PubMed 1301187; PubMed 9634518.